The following is an entry in ClinVar:

NM_171998.4(RAB39B):c.8C>T (p.Ala3Val)

Genes: RAB39B (RAB39B, member RAS oncogene family; minus strand), LOC130068896 (ATAC-STARR-seq lymphoblastoid silent region 21124; plus strand). Cytogenetic location: Xq28.
Variant type: single nucleotide variant.
Coding change: c.8C>T on transcript NM_171998.4 (MANE Select); coding-DNA position 8, C replaced by T.
Protein change: p.Ala3Val; replaces alanine 3 with valine.
Molecular consequence: missense variant.
Genome position (GRCh38, 1-based): chrX:155,264,281, G>A on the plus strand (C>T on the coding strand, the complement: RAB39B is on the minus strand). VCF-style: chrX-155264281-G-A. GRCh37 (hg19) VCF-style: chrX-154493566-G-A.
Other names: short protein forms A3V.
Identifiers: ClinVar variation 5008968 (VCV005008968.1).

ClinVar aggregate classification (germline): Uncertain significance (1 of 4 stars; one submission).

Submission:

GeneDx
Classification: Uncertain significance. Last evaluated: 2026-03-10. Review status: criteria provided, single submitter. Criteria: GeneDx Variant Classification Process June 2021. Collection method: clinical testing. Allele origin: germline.
Comment: Not observed at significant frequency in large population cohorts (gnomAD); In silico analysis suggests that this missense variant does not alter protein structure/function; Has not been previously published as pathogenic or benign to our knowledge